The following is an entry in ClinVar:

ClinVar aggregate classification (germline): Uncertain significance. Review status: criteria provided, single submitter (1 of 4 stars). 2 submissions from 2 submitters: Uncertain significance (1). 1 of the submissions does not count toward it. Last evaluated 2022-09-14.

Conditions:
Inborn genetic diseases. Identifiers: MedGen C0950123, MeSH D030342.
CHD3-related disorder. Also called: CHD3-related condition.

gnomAD v4.1: 6 of 1,612,466 alleles (0.00037%); highest among the groups gnomAD compares: East Asian, 0.0022%; no homozygotes.

Submissions (2):

Ambry Genetics
Classification: Uncertain significance for Inborn genetic diseases. Last evaluated: 2022-09-14. Review status: criteria provided, single submitter. Criteria: Ambry Variant Classification Scheme 2023. Collection method: clinical testing. Allele origin: germline.

PreventionGenetics, part of Exact Sciences
Classification: Uncertain significance for CHD3-related condition. Last evaluated: 2024-03-23. Review status: no assertion criteria provided. Collection method: clinical testing. Allele origin: germline. Not counted in ClinVar's aggregate classification.
Comment: The CHD3 c.5231G>A variant is predicted to result in the amino acid substitution p.Arg1744Gln. To our knowledge, this variant has not been reported in the literature or in a large population database, indicating this variant is rare. At this time, the clinical significance of this variant is uncertain due to the absence of conclusive functional and genetic evidence.

NM_001005273.3(CHD3):c.5054G>A (p.Arg1685Gln)

Gene: CHD3 (chromodomain helicase DNA binding protein 3; plus strand). Cytogenetic location: 17p13.1.
Variant type: single nucleotide variant.
Coding change: c.5054G>A on transcript NM_001005273.3 (MANE Select); coding-DNA position 5054, G replaced by A.
Protein change: p.Arg1685Gln; replaces arginine 1685 with glutamine.
Molecular consequence: missense variant.
Genome position (GRCh38, 1-based): chr17:7,907,921, G>A. VCF-style: chr17-7907921-G-A. GRCh37 (hg19) VCF-style: chr17-7811239-G-A.
Other names: c.5231G>A, p.Arg1744Gln (NM_001005271.3); c.4952G>A, p.Arg1651Gln (NM_005852.4); short protein forms R1685Q, R1744Q, R1651Q.
Identifiers: ClinVar variation 2212359 (VCV002212359.3), dbSNP rs763890842, ClinGen allele CA287498152.